The following is an entry in ClinVar:

ClinVar aggregate classification (germline): Uncertain significance. Review status: criteria provided, multiple submitters, no conflicts (2 of 4 stars). 2 submissions from 2 submitters: Uncertain significance (2). Last evaluated 2026-08-11.

Conditions:
Hereditary cancer-predisposing syndrome. Also called: Tumor predisposition; Hereditary Cancer Syndrome; Hereditary neoplastic syndrome; Neoplastic Syndromes, Hereditary. Identifiers: Orphanet 140162, MedGen C0027672, MeSH D009386, MONDO:0015356.

Allele frequency attached by ClinVar (database versions not stated): TOPMed below 0.00001; gnomAD 0.00001.

Submissions (2):

Ambry Genetics
Classification: Uncertain significance for Hereditary cancer-predisposing syndrome. Last evaluated: 2026-08-11. Review status: criteria provided, single submitter. Criteria: Ambry Variant Classification Scheme 2023. Collection method: clinical testing. Allele origin: germline.
Comment: The p.K1179R variant (also known as c.3536A>G), located in coding exon 29 of the POLE gene, results from an A to G substitution at nucleotide position 3536. The lysine at codon 1179 is replaced by arginine, an amino acid with highly similar properties. This amino acid position is conserved. In addition, this alteration is predicted to be tolerated by in silico analysis. Based on the available evidence, the clinical significance of this variant remains unclear.

Labcorp Genetics (formerly Invitae), Labcorp
Classification: Uncertain significance. Last evaluated: 2025-07-31. Review status: criteria provided, single submitter. Criteria: Invitae Variant Classification Sherloc (09022015). Collection method: clinical testing. Allele origin: germline.
Comment: This sequence change replaces lysine, which is basic and polar, with arginine, which is basic and polar, at codon 1179 of the POLE protein (p.Lys1179Arg). This variant is not present in population databases (gnomAD no frequency). This variant has not been reported in the literature in individuals affected with POLE-related conditions. ClinVar contains an entry for this variant (Variation ID: 1001328). Invitae Evidence Modeling of protein sequence and biophysical properties (such as structural, functional, and spatial information, amino acid conservation, physicochemical variation, residue mobility, and thermodynamic stability) indicates that this missense variant is not expected to disrupt POLE protein function with a negative predictive value of 80%. In summary, the available evidence is currently insufficient to determine the role of this variant in disease. Therefore, it has been classified as a Variant of Uncertain Significance.

NM_006231.4(POLE):c.3536A>G (p.Lys1179Arg)

Gene: POLE (DNA polymerase epsilon, catalytic subunit; minus strand). Cytogenetic location: 12q24.33.
Variant type: single nucleotide variant.
Coding change: c.3536A>G on transcript NM_006231.4 (MANE Select); coding-DNA position 3536, A replaced by G.
Protein change: p.Lys1179Arg; replaces lysine 1179 with arginine.
Molecular consequence: missense variant.
Genome position (GRCh38, 1-based): chr12:132,657,182, T>C on the plus strand (A>G on the coding strand, the complement: POLE is on the minus strand). VCF-style: chr12-132657182-T-C. GRCh37 (hg19) VCF-style: chr12-133233768-T-C.
Other names: c.3536A>G (NM_006231.2); short protein forms K1179R.
Identifiers: ClinVar variation 1001328 (VCV001001328.11), dbSNP rs2042562239, ClinGen allele CA387388478.